The following is an entry in ClinVar:

NM_014334.4(FRRS1L):c.623G>A (p.Arg208His)

Gene: FRRS1L (ferric chelate reductase 1 like; minus strand). Cytogenetic location: 9q31.3.
Variant type: single nucleotide variant.
Coding change: c.623G>A on transcript NM_014334.4 (MANE Select); coding-DNA position 623, G replaced by A.
Protein change: p.Arg208His; replaces arginine 208 with histidine.
Molecular consequence: missense variant.
Genome position (GRCh38, 1-based): chr9:109,141,429, C>T on the plus strand (G>A on the coding strand, the complement: FRRS1L is on the minus strand). VCF-style: chr9-109141429-C-T. GRCh37 (hg19) VCF-style: chr9-111903709-C-T.
Other names: short protein forms R208H.
Identifiers: ClinVar variation 985563 (VCV000985563.11), dbSNP rs1411339072, ClinGen allele CA374424026.

ClinVar aggregate classification (germline): Conflicting classifications of pathogenicity. Review status: criteria provided, conflicting classifications (1 of 4 stars). 3 submissions from 3 submitters: Likely pathogenic (1); Uncertain significance (2). Last evaluated 2025-11-03.

Conditions:
Developmental and epileptic encephalopathy, 37 (DEE37). Also called: Epileptic encephalopathy, early infantile, 37. Identifiers: MedGen C4310770, MONDO:0014859, OMIM 616981.
Inborn genetic diseases. Identifiers: MedGen C0950123, MeSH D030342.

Allele frequency attached by ClinVar (database versions not stated): gnomAD exomes below 0.00001; gnomAD 0.00001; TOPMed 0.00003.
gnomAD v4.1: 6 of 1,613,908 alleles (0.00037%); highest among the groups gnomAD compares: Admixed American, 0.0033%; no homozygotes.

Submissions (3):

Labcorp Genetics (formerly Invitae), Labcorp
Classification: Likely pathogenic for Developmental and epileptic encephalopathy, 37. Last evaluated: 2025-11-03. Review status: criteria provided, single submitter. Criteria: Invitae Variant Classification Sherloc (09022015). Collection method: clinical testing. Allele origin: germline.
Comment: This sequence change replaces arginine, which is basic and polar, with histidine, which is basic and polar, at codon 259 of the FRRS1L protein (p.Arg259His). This variant is present in population databases (no rsID available, gnomAD 0.0009%). This missense change has been observed in individual(s) with clinical features of developmental and epileptic encephalopathy (internal data). In at least one individual the data is consistent with being in trans (on the opposite chromosome) from a pathogenic variant. ClinVar contains an entry for this variant (Variation ID: 985563). An algorithm developed to predict the effect of missense changes on protein structure and function (PolyPhen-2) suggests that this variant is likely to be disruptive. In summary, the currently available evidence indicates that the variant is pathogenic, but additional data are needed to prove that conclusively. Therefore, this variant has been classified as Likely Pathogenic.

GeneDx
Classification: Uncertain significance. Last evaluated: 2024-03-11. Review status: criteria provided, single submitter. Criteria: GeneDx Variant Classification Process June 2021. Collection method: clinical testing. Allele origin: germline. Affected: yes.
Comment: Not observed at significant frequency in large population cohorts (gnomAD); In silico analysis supports that this missense variant has a deleterious effect on protein structure/function; Has not been previously published as pathogenic or benign to our knowledge

Ambry Genetics
Classification: Uncertain significance for Inborn genetic diseases. Last evaluated: 2017-11-29. Review status: criteria provided, single submitter. Criteria: Ambry exome assertion method (8-5-2015). Collection method: clinical testing. Allele origin: germline. Affected: yes. Observed: 1 variant allele.